The following is an entry in ClinVar:

ClinVar aggregate classification (germline): Benign/Likely benign. Review status: criteria provided, multiple submitters, no conflicts (2 of 4 stars). 15 submissions from 12 submitters: Benign (9); Likely benign (6). Last evaluated 2026-02-02.

Conditions:
Autosomal recessive limb-girdle muscular dystrophy type 2J (LGMDR10). Also called: Limb-girdle muscular dystrophy, type 2J; MUSCULAR DYSTROPHY, LIMB-GIRDLE, AUTOSOMAL RECESSIVE 10. Identifiers: Orphanet 140922, MedGen C1837342, MONDO:0012127, OMIM 608807.
Dilated cardiomyopathy 1G (CMD1G). Identifiers: Orphanet 154, MedGen C1858763, MONDO:0011400, OMIM 604145.
Cardiomyopathy (CMYO). Also called: Cardiomyopathies. Identifiers: Orphanet 167848, MedGen C0878544, MONDO:0004994, HP:0001638. Inheritance: Various modes of inheritance.
Early-onset myopathy with fatal cardiomyopathy (CMYO5). Also called: Salih Myopathy; CONGENITAL MYOPATHY 5 WITH CARDIOMYOPATHY. Identifiers: Orphanet 289377, MedGen C2673677, MONDO:0012714, OMIM 611705. Disease mechanism: loss of function.
Myopathy, myofibrillar, 9, with early respiratory failure (MFM9). Also called: Hereditary myopathy with early respiratory failure; EDSTROM MYOPATHY; MYOPATHY, PROXIMAL, WITH EARLY RESPIRATORY MUSCLE INVOLVEMENT; Myopathy, distal, with early respiratory failure, autosomal dominant. Identifiers: Orphanet 178464, Orphanet 34521, MedGen C1863599, MONDO:0011362, OMIM 603689.
Tibial muscular dystrophy (TMD). Also called: UDD MYOPATHY; Udd Distal Myopathy – Tibial Muscular Dystrophy; Tibial muscular dystrophy, tardive. Identifiers: Orphanet 609, MedGen C1838244, MONDO:0010870, OMIM 600334.

Allele frequency attached by ClinVar (database versions not stated): 1000 Genomes Project 30x 0.00016; gnomAD 0.00019 and 0.00020; 1000 Genomes Project 0.00020; gnomAD exomes 0.00021 and 0.00098; TOPMed 0.00048; ExAC 0.00084.
gnomAD v4.1: 335 of 1,612,912 alleles (0.021%); highest among the groups gnomAD compares: Admixed American, 0.43%; no homozygotes.

Submissions (15):

Labcorp Genetics (formerly Invitae), Labcorp
Classification: Benign for Dilated cardiomyopathy 1G; Autosomal recessive limb-girdle muscular dystrophy type 2J. Last evaluated: 2026-02-02. Review status: criteria provided, single submitter. Criteria: Invitae Variant Classification Sherloc (09022015). Collection method: clinical testing. Allele origin: germline.

Mayo Clinic Laboratories, Mayo Clinic
Classification: Likely benign. Last evaluated: 2025-10-18. Review status: criteria provided, single submitter. Criteria: ACMG Guidelines, 2015. Collection method: clinical testing. Allele origin: germline. Observed: 7 variant alleles.
Comment: BS1, BP4, BP7

Molecular Diagnostic Laboratory for Inherited Cardiovascular Disease, Montreal Heart Institute
Classification: Likely benign. Last evaluated: 2025-04-09. Review status: criteria provided, single submitter. Criteria: ACMG Guidelines, 2015. Collection method: clinical testing. Allele origin: germline. Affected: no.

Blueprint Genetics
Classification: Likely benign. Last evaluated: 2024-11-14. Review status: criteria provided, single submitter. Criteria: ACMG Guidelines, 2015. Collection method: clinical testing. Allele origin: germline.

Women's Health and Genetics/Laboratory Corporation of America, LabCorp
Classification: Benign. Last evaluated: 2022-08-27. Review status: criteria provided, single submitter. Criteria: LabCorp Variant Classification Summary - May 2015. Collection method: clinical testing. Allele origin: germline.

ARUP Laboratories, Molecular Genetics and Genomics, ARUP Laboratories
Classification: Likely benign. Last evaluated: 2021-09-13. Review status: criteria provided, single submitter. Criteria: ARUP Molecular Germline Variant Investigation Process 2021. Collection method: clinical testing. Allele origin: germline.

Genome-Nilou Lab
Classification: Benign for Autosomal recessive limb-girdle muscular dystrophy type 2J. Last evaluated: 2021-09-10. Review status: criteria provided, single submitter. Criteria: ACMG Guidelines, 2015. Collection method: clinical testing. Allele origin: germline. Affected: no.

Genome-Nilou Lab
Classification: Benign for Myopathy, myofibrillar, 9, with early respiratory failure. Last evaluated: 2021-09-10. Review status: criteria provided, single submitter. Criteria: ACMG Guidelines, 2015. Collection method: clinical testing. Allele origin: germline. Affected: no.

Genome-Nilou Lab
Classification: Benign for Early-onset myopathy with fatal cardiomyopathy. Last evaluated: 2021-09-10. Review status: criteria provided, single submitter. Criteria: ACMG Guidelines, 2015. Collection method: clinical testing. Allele origin: germline. Affected: no.

Genome-Nilou Lab
Classification: Benign for Tibial muscular dystrophy. Last evaluated: 2021-09-10. Review status: criteria provided, single submitter. Criteria: ACMG Guidelines, 2015. Collection method: clinical testing. Allele origin: germline. Affected: no.

CHEO Genetics Diagnostic Laboratory, Children's Hospital of Eastern Ontario
Classification: Benign for Cardiomyopathy. Last evaluated: 2017-11-13. Review status: criteria provided, single submitter. Criteria: ACMG Guidelines, 2015. Collection method: clinical testing. Allele origin: germline.

Genetic Services Laboratory, University of Chicago
Classification: Likely benign. Last evaluated: 2017-05-04. Review status: criteria provided, single submitter. Criteria: ACMG Guidelines, 2015. Collection method: clinical testing. Allele origin: germline. Affected: no.

Eurofins Ntd Llc (ga)
Classification: Benign. Last evaluated: 2015-12-07. Review status: criteria provided, single submitter. Criteria: EGL Classification Definitions 2015. Collection method: clinical testing. Allele origin: germline. Observed: 2 variant alleles, 2 heterozygotes.

Laboratory for Molecular Medicine, Mass General Brigham Personalized Medicine
Classification: Likely benign. Last evaluated: 2015-08-27. Review status: criteria provided, single submitter. Criteria: LMM Criteria. Collection method: clinical testing. Allele origin: germline. Observed: 6 variant alleles.
Comment: c.31825+10A>C in intron 156 of TTN: This variant is not expected to have clinica l significance because it is not located within the splice consensus sequence. It has been identified in 0.7% (89/11510) of Latino chromosomes by the Exome Agg regation Consortium (ExAC; dbSNP rs397517554).

GeneDx
Classification: Benign. Last evaluated: 2015-03-27. Review status: criteria provided, single submitter. Criteria: GeneDx Variant Classification (06012015). Collection method: clinical testing. Allele origin: germline. Affected: yes.
Comment: This variant is considered likely benign or benign based on one or more of the following criteria: it is a conservative change, it occurs at a poorly conserved position in the protein, it is predicted to be benign by multiple in silico algorithms, and/or has population frequency not consistent with disease.

NM_001267550.2(TTN):c.39127+10A>C

Gene: TTN (titin; minus strand). Cytogenetic location: 2q31.2.
Variant type: single nucleotide variant.
Coding change: c.39127+10A>C on transcript NM_001267550.2 (MANE Select); 10 bases into the intron after coding-DNA position 39127, A replaced by C.
Molecular consequence: intron variant.
Genome position (GRCh38, 1-based): chr2:178,652,448, T>G on the plus strand (A>C on the coding strand, the complement: TTN is on the minus strand). VCF-style: chr2-178652448-T-G. GRCh37 (hg19) VCF-style: chr2-179517175-T-G.
Other names: p.?; c.13283-10131A>C (NM_003319.4); c.13859-10131A>C (NM_133437.4); c.13658-10131A>C (NM_133432.3); c.31825+10A>C (NM_133378.4); c.34606+10A>C (NM_001256850.1).
Identifiers: ClinVar variation 46919 (VCV000046919.72), dbSNP rs397517554, ClinGen allele CA139525.